The following is an entry in ClinVar:

NM_033118.4(MYLK2):c.532G>C (p.Gly178Arg)

Gene: MYLK2 (myosin light chain kinase 2; plus strand). Cytogenetic location: 20q11.21.
Variant type: single nucleotide variant.
Coding change: c.532G>C on transcript NM_033118.4 (MANE Select); coding-DNA position 532, G replaced by C.
Protein change: p.Gly178Arg; replaces glycine 178 with arginine.
Molecular consequence: missense variant.
Genome position (GRCh38, 1-based): chr20:31,821,497, G>C. VCF-style: chr20-31821497-G-C. GRCh37 (hg19) VCF-style: chr20-30409300-G-C.
Other names: short protein forms G178R.
Identifiers: ClinVar variation 3770040 (VCV003770040.1).

ClinVar aggregate classification (germline): Uncertain significance (1 of 4 stars; one submission).

Submission:

GeneDx
Classification: Uncertain significance. Last evaluated: 2024-09-12. Review status: criteria provided, single submitter. Criteria: GeneDx Variant Classification Process June 2021. Collection method: clinical testing. Allele origin: germline. Affected: yes.
Comment: Not observed at significant frequency in large population cohorts (gnomAD); In silico analysis indicates that this missense variant does not alter protein structure/function; Has not been previously published as pathogenic or benign to our knowledge